The following is an entry in ClinVar:

ClinVar aggregate classification (germline): Uncertain significance (1 of 4 stars; one submission).

Submission:

Labcorp Genetics (formerly Invitae), Labcorp
Classification: Uncertain significance. Last evaluated: 2025-04-06. Review status: criteria provided, single submitter. Criteria: Invitae Variant Classification Sherloc (09022015). Collection method: clinical testing. Allele origin: germline.
Comment: This sequence change replaces phenylalanine, which is neutral and non-polar, with leucine, which is neutral and non-polar, at codon 673 of the MYLK3 protein (p.Phe673Leu). This variant is not present in population databases (gnomAD no frequency). This variant has not been reported in the literature in individuals affected with MYLK3-related conditions. ClinVar contains an entry for this variant (Variation ID: 2113131). An algorithm developed to predict the effect of missense changes on protein structure and function (PolyPhen-2) suggests that this variant is likely to be disruptive. In summary, the available evidence is currently insufficient to determine the role of this variant in disease. Therefore, it has been classified as a Variant of Uncertain Significance.

NM_182493.3(MYLK3):c.2017T>C (p.Phe673Leu)

Gene: MYLK3 (myosin light chain kinase 3; minus strand). Cytogenetic location: 16q11.2.
Variant type: single nucleotide variant.
Coding change: c.2017T>C on transcript NM_182493.3 (MANE Select); coding-DNA position 2017, T replaced by C.
Protein change: p.Phe673Leu; replaces phenylalanine 673 with leucine.
Molecular consequence: missense variant.
Genome position (GRCh38, 1-based): chr16:46,712,745, A>G on the plus strand (T>C on the coding strand, the complement: MYLK3 is on the minus strand). VCF-style: chr16-46712745-A-G. GRCh37 (hg19) VCF-style: chr16-46746657-A-G.
Other names: c.994T>C, p.Phe332Leu (NM_001308301.1); short protein forms F673L, F332L.
Identifiers: ClinVar variation 2113131 (VCV002113131.4), dbSNP rs2548898895, ClinGen allele CA395787949.